The following is an entry in ClinVar:

ClinVar aggregate classification (germline): Conflicting classifications of pathogenicity. Review status: criteria provided, conflicting classifications (1 of 4 stars). 4 submissions from 4 submitters: Uncertain significance (2); Benign (1); Likely benign (1). Last evaluated 2025-03-19.

Conditions:
Bethlem myopathy 1A. Also called: MYOPATHY, BENIGN CONGENITAL, WITH CONTRACTURES; Bethlem Muscular Dystrophy; Bethlem myopathy 1. Identifiers: Orphanet 610, MedGen CN029274, MONDO:0024530, OMIM 158810.
Inborn genetic diseases. Identifiers: MedGen C0950123, MeSH D030342.

Allele frequency attached by ClinVar (database versions not stated): ExAC 0.00001; gnomAD exomes 0.00002 and 0.00007; gnomAD 0.00003 and 0.00004; TOPMed 0.00003.
gnomAD v4.1: 110 of 1,609,974 alleles (0.0068%); highest among the groups gnomAD compares: Non-Finnish European, 0.0083%; no homozygotes.

Submissions (4):

Labcorp Genetics (formerly Invitae), Labcorp
Classification: Benign for Bethlem myopathy 1A. Last evaluated: 2025-03-19. Review status: criteria provided, single submitter. Criteria: Invitae Variant Classification Sherloc (09022015). Collection method: clinical testing. Allele origin: germline.

Women's Health and Genetics/Laboratory Corporation of America, LabCorp
Classification: Likely benign. Last evaluated: 2024-05-06. Review status: criteria provided, single submitter. Criteria: LabCorp Variant Classification Summary - May 2015. Collection method: clinical testing. Allele origin: germline.
Comment: Variant summary: COL6A1 c.2560C>T (p.Arg854Cys) results in a non-conservative amino acid change located in the von Willebrand factor, type A domain (IPR002035) of the encoded protein sequence. Five of five in-silico tools predict a damaging effect of the variant on protein function. The variant allele was found at a frequency of 6.8e-05 in 1609974 control chromosomes. The observed variant frequency is approximately 144 fold of the estimated maximal expected allele frequency for a pathogenic variant in COL6A1 causing Collagen Type VI-Related Disorders phenotype (4.8e-07), strongly suggesting that the variant is benign. To our knowledge, no occurrence of c.2560C>T in individuals affected with Collagen Type VI-Related Disorders and no experimental evidence demonstrating its impact on protein function have been reported. ClinVar contains an entry for this variant (Variation ID: 1428029). Based on the evidence outlined above, the variant was classified as likely benign.

Ambry Genetics
Classification: Uncertain significance for Inborn genetic diseases. Last evaluated: 2022-12-21. Review status: criteria provided, single submitter. Criteria: Ambry Variant Classification Scheme 2023. Collection method: clinical testing. Allele origin: germline.

Revvity Omics, Revvity
Classification: Uncertain significance. Last evaluated: 2019-08-08. Review status: criteria provided, single submitter. Criteria: ACMG Guidelines, 2015. Collection method: clinical testing. Allele origin: germline.

NM_001848.3(COL6A1):c.2560C>T (p.Arg854Cys)

Gene: COL6A1 (collagen type VI alpha 1 chain; plus strand). Cytogenetic location: 21q22.3.
Variant type: single nucleotide variant.
Coding change: c.2560C>T on transcript NM_001848.3 (MANE Select); coding-DNA position 2560, C replaced by T.
Protein change: p.Arg854Cys; replaces arginine 854 with cysteine.
Molecular consequence: missense variant.
Genome position (GRCh38, 1-based): chr21:46,003,486, C>T. VCF-style: chr21-46003486-C-T. GRCh37 (hg19) VCF-style: chr21-47423400-C-T.
Other names: c.2560C>T (NM_001848.2); short protein forms R854C.
Identifiers: ClinVar variation 1428029 (VCV001428029.12), dbSNP rs771987341, ClinGen allele CA10070957.
Genomic context (GRCh38, chr21:46,003,486, plus strand): 5'-CTGGACGGCTCCGCCAGCGTGGGCAGCCACAACTTTGACACCACCAAGCGCTTCGCCAAG[C>T]GCCTGGCCGAGCGCTTCCTCACAGCGGGCAGGACGGACCCCGCCCACGACGTGCGGGTGG-3'
Protein context (NP_001839.2, residues 844-864): NFDTTKRFAK[Arg854Cys]LAERFLTAGR